The following is an entry in ClinVar:

NM_005476.7(GNE):c.2025T>A (p.Tyr675Ter)

Gene: GNE (glucosamine (UDP-N-acetyl)-2-epimerase/N-acetylmannosamine kinase; minus strand). Cytogenetic location: 9p13.3.
Variant type: single nucleotide variant.
Coding change: c.2025T>A on transcript NM_005476.7 (MANE Select); coding-DNA position 2025, T replaced by A.
Protein change: p.Tyr675Ter; replaces tyrosine 675 with a stop codon.
Molecular consequence: nonsense.
Genome position (GRCh38, 1-based): chr9:36,217,509, A>T on the plus strand (T>A on the coding strand, the complement: GNE is on the minus strand). VCF-style: chr9-36217509-A-T. GRCh37 (hg19) VCF-style: chr9-36217506-A-T.
Other names: c.2118T>A, p.Tyr706Ter (NM_001128227.3); c.1803T>A, p.Tyr601Ter (NM_001190383.3); c.1695T>A, p.Tyr565Ter (NM_001190384.3); c.1848T>A, p.Tyr616Ter (NM_001190388.2, NM_001374798.1); c.1872T>A, p.Tyr624Ter (NM_001374797.1); short protein forms Y601*, Y616*, Y565*, Y706*, Y624*, Y675*.
Identifiers: ClinVar variation 2946919 (VCV002946919.3), dbSNP rs1479027996, ClinGen allele CA373424581.

ClinVar aggregate classification (germline): Pathogenic (1 of 4 stars; one submission).

Conditions:
GNE myopathy (NM). Also called: NONAKA DISTAL MYOPATHY; INCLUSION BODY MYOPATHY, HEREDITARY, AUTOSOMAL RECESSIVE; INCLUSION BODY MYOPATHY 2, AUTOSOMAL RECESSIVE; MYOPATHY, DISTAL, WITH OR WITHOUT RIMMED VACUOLES; IBM 2; Inclusion body myopathy autosomal recessive. Identifiers: Orphanet 602, MedGen C1853926, MONDO:0011603, OMIM 605820.
Sialuria. Also called: SIALURIA, FRENCH TYPE; Sialic Acid Storage Disease. Identifiers: Orphanet 3166, MedGen C0342853, MONDO:0010028, OMIM 269921.

Submission:

Labcorp Genetics (formerly Invitae), Labcorp
Classification: Pathogenic for Sialuria; GNE myopathy. Last evaluated: 2023-04-19. Review status: criteria provided, single submitter. Criteria: Invitae Variant Classification Sherloc (09022015). Collection method: clinical testing. Allele origin: germline.
Comment: This variant disrupts a region of the GNE protein in which other variant(s) (p.Met743Thr) have been determined to be pathogenic (PMID: 11528398, 15147877, 15670773, 20300792, 23278550). This suggests that this is a clinically significant region of the protein, and that variants that disrupt it are likely to be disease-causing. For these reasons, this variant has been classified as Pathogenic. This variant has not been reported in the literature in individuals affected with GNE-related conditions. This variant is not present in population databases (gnomAD no frequency). This sequence change creates a premature translational stop signal (p.Tyr706*) in the GNE gene. While this is not anticipated to result in nonsense mediated decay, it is expected to disrupt the last 48 amino acid(s) of the GNE protein.

Literature cited by the submitters: PubMed 11528398; PubMed 15147877; PubMed 15670773; PubMed 20300792; PubMed 23278550.